The following is an entry in ClinVar:

ClinVar aggregate classification (germline): Uncertain significance (1 of 4 stars; one submission).

Conditions:
Sulfite oxidase deficiency due to molybdenum cofactor deficiency type A. Also called: Molybdenum cofactor deficiency, complementation group A; Molybdenum Cofactor Deficiency A. Identifiers: Orphanet 308386, Orphanet 833, MedGen C1854988, MONDO:0009643, OMIM 252150.

Allele frequency attached by ClinVar (database versions not stated): gnomAD exomes below 0.00001; gnomAD 0.00001; TOPMed 0.00001; ExAC 0.00002.
gnomAD v4.1: 5 of 1,613,808 alleles (0.00031%); highest among the groups gnomAD compares: African/African-American, 0.0067%; no homozygotes.

Submission:

Labcorp Genetics (formerly Invitae), Labcorp
Classification: Uncertain significance for Sulfite oxidase deficiency due to molybdenum cofactor deficiency type A. Last evaluated: 2022-06-18. Review status: criteria provided, single submitter. Criteria: Invitae Variant Classification Sherloc (09022015). Collection method: clinical testing. Allele origin: germline.
Comment: In summary, the available evidence is currently insufficient to determine the role of this variant in disease. Therefore, it has been classified as a Variant of Uncertain Significance. Experimental studies and prediction algorithms are not available or were not evaluated, and the effect of this variant on mRNA splicing is currently unknown. This variant has not been reported in the literature in individuals affected with MOCS1-related conditions. This variant is present in population databases (rs767914870, gnomAD 0.01%). This sequence change affects codon 553 of the MOCS1 mRNA. It is a 'silent' change, meaning that it does not change the encoded amino acid sequence of the MOCS1 protein.

NM_001358530.2(MOCS1):c.1657C>T (p.Leu553=)

Gene: MOCS1 (molybdenum cofactor synthesis 1; minus strand). Cytogenetic location: 6p21.2.
Variant type: single nucleotide variant.
Coding change: c.1657C>T on transcript NM_001358530.2 (MANE Select); coding-DNA position 1657, C replaced by T.
Protein change: p.Leu553=; no amino-acid change (leucine 553 retained).
Molecular consequence: synonymous variant. On other transcripts: 3 prime UTR variant (4), non-coding transcript variant (1).
Genome position (GRCh38, 1-based): chr6:39,906,611, G>A on the plus strand (C>T on the coding strand, the complement: MOCS1 is on the minus strand). VCF-style: chr6-39906611-G-A. GRCh37 (hg19) VCF-style: chr6-39874387-G-A.
Other names: c.*514C>T (NM_001075098.4, NM_001358533.2, NM_001358534.2 and 1 more transcripts); c.1609C>T, p.Leu537= (NM_001358529.2); c.1396C>T, p.Leu466= (NM_001358531.2).
Identifiers: ClinVar variation 1975133 (VCV001975133.5), dbSNP rs767914870, ClinGen allele CA3795920.
Genomic context (GRCh38, chr6:39,906,611, plus strand): 5'-GGCGTGTGCTGTCCAGCTCCAGCTGCACCTGGATGTGGCTCAGGGCCACGTGGTGGCACA[G>A]AGGGATCAGCTGGCTGGTCACCTTGGCTGCCTGGACTCCAGCCAGCTGGGCCACCACTAG-3'
Protein context (NP_001345459.1, residues 543-563): AAKVTSQLIP[Leu553=]CHHVALSHIQ